The following is an entry in ClinVar:

ClinVar aggregate classification (germline): Uncertain significance (1 of 4 stars; one submission).

Conditions:
Generalized epilepsy with febrile seizures plus, type 7 (GEFSP7). Also called: GEFS+, TYPE 7. Identifiers: Orphanet 36387, MedGen C2751778, MONDO:0013470, OMIM 613863.
Neuropathy, hereditary sensory and autonomic, type 2A (HSAN2A). Also called: ACROOSTEOLYSIS, GIACCAI TYPE; ACROOSTEOLYSIS, NEUROGENIC; HSAN IIA; MORVAN DISEASE; NEUROPATHY, CONGENITAL SENSORY; NEUROPATHY, HEREDITARY SENSORY RADICULAR, AUTOSOMAL RECESSIVE. Identifiers: Orphanet 970, MedGen C2752089, MONDO:0024309, OMIM 201300.

Submission:

Labcorp Genetics (formerly Invitae), Labcorp
Classification: Uncertain significance for Neuropathy, hereditary sensory and autonomic, type 2A; Generalized epilepsy with febrile seizures plus, type 7. Last evaluated: 2021-12-21. Review status: criteria provided, single submitter. Criteria: Invitae Variant Classification Sherloc (09022015). Collection method: clinical testing. Allele origin: germline.
Comment: In summary, the available evidence is currently insufficient to determine the role of this variant in disease. Therefore, it has been classified as a Variant of Uncertain Significance. Algorithms developed to predict the effect of missense changes on protein structure and function are either unavailable or do not agree on the potential impact of this missense change (SIFT: "Deleterious"; PolyPhen-2: "Probably Damaging"; Align-GVGD: "Class C0"). This variant has not been reported in the literature in individuals affected with SCN9A-related conditions. This variant is not present in population databases (gnomAD no frequency). This sequence change replaces alanine, which is neutral and non-polar, with aspartic acid, which is acidic and polar, at codon 1814 of the SCN9A protein (p.Ala1814Asp).

NM_001365536.1(SCN9A):c.5474C>A (p.Ala1825Asp)

Genes: SCN1A-AS1 (SCN1A and SCN9A antisense RNA 1; plus strand), SCN9A (sodium voltage-gated channel alpha subunit 9; minus strand). Cytogenetic location: 2q24.3.
Variant type: single nucleotide variant.
Coding change: c.5474C>A on transcript NM_001365536.1 (MANE Select); coding-DNA position 5474, C replaced by A.
Protein change: p.Ala1825Asp; replaces alanine 1825 with aspartic acid.
Molecular consequence: missense variant.
Genome position (GRCh38, 1-based): chr2:166,199,165, G>T on the plus strand (C>A on the coding strand, the complement: SCN9A is on the minus strand). VCF-style: chr2-166199165-G-T. GRCh37 (hg19) VCF-style: chr2-167055675-G-T.
Other names: c.5441C>A, p.Ala1814Asp (NM_002977.4); short protein forms A1825D, A1814D.
Identifiers: ClinVar variation 1490764 (VCV001490764.6), dbSNP rs759259640, ClinGen allele CA349052688.
Genomic context (GRCh38, chr2:166,199,165, plus strand): 5'-AAAGCAAATAAGATGTCAAGACAATGGATCCGGTCACCACTAACCATGGGCAGATCCATG[G>T]CAATGAGCTGGACTTTGTTGGGTTTTGCTATGAGAAGAGGAGGATCCAGGGCAGCTGCAA-3'
Protein context (NP_001352465.1, residues 1815-1835): IAKPNKVQLI[Ala1825Asp]MDLPMVSGDR